The following is an entry in ClinVar:

NM_000091.5(COL4A3):c.1029+4A>G

Genes: COL4A3 (collagen type IV alpha 3 chain; plus strand), MFF-DT (MFF divergent transcript; minus strand). Cytogenetic location: 2q36.3.
Variant type: single nucleotide variant.
Coding change: c.1029+4A>G on transcript NM_000091.5 (MANE Select); 4 bases into the intron after coding-DNA position 1029, A replaced by G.
Molecular consequence: intron variant.
Genome position (GRCh38, 1-based): chr2:227,257,648, A>G. VCF-style: chr2-227257648-A-G. GRCh37 (hg19) VCF-style: chr2-228122364-A-G.
Identifiers: ClinVar variation 1526260 (VCV001526260.1), dbSNP rs2125947156, ClinGen allele CA2573135467.
Genomic context (GRCh38, chr2:227,257,648, plus strand): 5'-TGTCTTTCACTGTAGGGACAGAAAGGGGACATTGGCCCTCCAGGATTTCGTGGTCCAGTA[A>G]GTGTGATTAAAGACAATATCAATGCTATGTTTGATCAAGTTCTTTAAAGTAGCAAGGAAA-3'

ClinVar aggregate classification (germline): Uncertain significance (1 of 4 stars; one submission).

Conditions:
Autosomal recessive Alport syndrome (ATS2). Also called: COL4A3-Related Nephropathy; ALPORT SYNDROME 2, AUTOSOMAL RECESSIVE; COL4A4 Alport Syndrome and Thin Basement Membrane Nephropathy; Alport syndrome type 2. Identifiers: Orphanet 63, Orphanet 88919, MedGen C4746745, MONDO:0008762, OMIM 203780.

Submission:

3billion
Classification: Uncertain significance for Autosomal recessive Alport syndrome. Last evaluated: 2022-03-22. Review status: criteria provided, single submitter. Criteria: ACMG Guidelines, 2015. Collection method: clinical testing. Allele origin: germline. Affected: yes. Observed: 1 heterozygote.
Comment: The variant is not observed in the gnomAD v2.1.1 dataset. In silico tools predict the variant to alter splicing and produce an abnormal transcript (SPLICEAI: 0.8>=0.8). Therefore, this variant is classified as uncertain significance according to the recommendation of ACMG/AMP guideline.